The following is an entry in ClinVar:

ClinVar aggregate classification (germline): Conflicting classifications of pathogenicity. Review status: criteria provided, conflicting classifications (1 of 4 stars). 4 submissions from 4 submitters: Likely pathogenic (1); Uncertain significance (3). Last evaluated 2025-10-13.

Conditions:
Premature ovarian insufficiency (POF). Also called: Premature ovarian failure. Identifiers: MedGen C4303540, HP:0008209.
Colorectal cancer, hereditary nonpolyposis, type 7. Identifiers: Orphanet 144, MedGen C1858380, MONDO:0013725, OMIM 614385.

Allele frequency attached by ClinVar (database versions not stated): ESP Exome Variant Server 0.00008; TOPMed 0.00002; 1000 Genomes Project 30x 0.00016.

Submissions (4):

Labcorp Genetics (formerly Invitae), Labcorp
Classification: Uncertain significance for Colorectal cancer, hereditary nonpolyposis, type 7. Last evaluated: 2025-10-13. Review status: criteria provided, single submitter. Criteria: Invitae Variant Classification Sherloc (09022015). Collection method: clinical testing. Allele origin: germline.
Comment: This sequence change replaces serine, which is neutral and polar, with arginine, which is basic and polar, at codon 463 of the MLH3 protein (p.Ser463Arg). This variant is present in population databases (rs138974583, gnomAD 0.01%). This variant has not been reported in the literature in individuals affected with MLH3-related conditions. ClinVar contains an entry for this variant (Variation ID: 836477). An algorithm developed to predict the effect of missense changes on protein structure and function outputs the following: PolyPhen-2: "Benign". The arginine amino acid residue is found in multiple mammalian species, which suggests that this missense change does not adversely affect protein function. In summary, the available evidence is currently insufficient to determine the role of this variant in disease. Therefore, it has been classified as a Variant of Uncertain Significance.

Center for Genomic Medicine, Rigshospitalet, Copenhagen University Hospital
Classification: Uncertain significance. Last evaluated: 2025-03-04. Review status: criteria provided, single submitter. Criteria: ACMG Guidelines, 2015. Collection method: clinical testing. Allele origin: germline.

Ambry Genetics
Classification: Uncertain significance. Last evaluated: 2024-11-05. Review status: criteria provided, single submitter. Criteria: Ambry Variant Classification Scheme 2023. Collection method: clinical testing. Allele origin: germline.
Comment: The p.S463R variant (also known as c.1387A>C), located in coding exon 1 of the MLH3 gene, results from an A to C substitution at nucleotide position 1387. The serine at codon 463 is replaced by arginine, an amino acid with dissimilar properties. This amino acid position is not well conserved in available vertebrate species. In addition, this alteration is predicted to be tolerated by in silico analysis. Since supporting evidence is limited at this time, the clinical significance of this alteration remains unclear.

Medical Cytogenetics and Molecular Genetics Laboratory, IRCCS Istituto Auxologico Italiano
Classification: Likely pathogenic for Premature ovarian failure. Last evaluated: 2020-03-02. Review status: criteria provided, single submitter. Criteria: ACMG Guidelines, 2015. Collection method: research. Allele origin: germline. Affected: yes. Observed: 1 variant allele.

NM_001040108.2(MLH3):c.1387A>C (p.Ser463Arg)

Gene: MLH3 (mutL homolog 3; minus strand). Cytogenetic location: 14q24.3.
Variant type: single nucleotide variant.
Coding change: c.1387A>C on transcript NM_001040108.2 (MANE Select); coding-DNA position 1387, A replaced by C.
Protein change: p.Ser463Arg; replaces serine 463 with arginine.
Molecular consequence: missense variant.
Genome position (GRCh38, 1-based): chr14:75,048,269, T>G on the plus strand (A>C on the coding strand, the complement: MLH3 is on the minus strand). VCF-style: chr14-75048269-T-G. GRCh37 (hg19) VCF-style: chr14-75514972-T-G.
Other names: c.1387A>C, p.Ser463Arg (NM_014381.3); short protein forms S463R.
Identifiers: ClinVar variation 836477 (VCV000836477.19), dbSNP rs138974583, ClinGen allele CA7275886.